The following is an entry in ClinVar:

NM_001267550.2(TTN):c.76342_76345del (p.Ser25448fs)

Genes: TTN (titin; minus strand), TTN-AS1 (TTN antisense RNA 1; plus strand). Cytogenetic location: 2q31.2.
Variant type: Deletion.
Coding change: c.76342_76345del on transcript NM_001267550.2 (MANE Select); coding-DNA positions 76342 to 76345, 4 bases deleted (AGTG; older notation c.76342_76345delAGTG).
Protein change: p.Ser25448fs; shifts the reading frame from serine 25448.
Molecular consequence: frameshift variant.
Genome position (GRCh38, 1-based): chr2:178,569,787-178,569,790, CACT deleted on the plus strand (AGTG on the coding strand, the reverse complement: TTN is on the minus strand); deleting any 4 consecutive bases within chr2:178,569,787-178,569,793 gives the same sequence; the c. name uses the placement nearest the transcript's 3' end. VCF-style (leftmost placement, unchanged base first): chr2-178569786-ACACT-A. GRCh37 (hg19) VCF-style: chr2-179434513-ACACT-A.
Other names: c.71419_71422del, p.Ser23807fs (NM_001256850.1); c.49147_49150del, p.Ser16383fs (NM_003319.4); c.68638_68641del, p.Ser22880fs (NM_133378.4); c.49522_49525del, p.Ser16508fs (NM_133432.3); c.49723_49726del, p.Ser16575fs (NM_133437.4); short protein forms S16508fs, S23807fs, S25448fs, S16383fs, S16575fs, S22880fs.
Identifiers: ClinVar variation 2951597 (VCV002951597.3), dbSNP rs2154168044, ClinGen allele CA2740096342.

ClinVar aggregate classification (germline): Likely pathogenic (1 of 4 stars; one submission).

Conditions:
Dilated cardiomyopathy 1G (CMD1G). Identifiers: Orphanet 154, MedGen C1858763, MONDO:0011400, OMIM 604145.
Autosomal recessive limb-girdle muscular dystrophy type 2J (LGMDR10). Also called: Limb-girdle muscular dystrophy, type 2J; MUSCULAR DYSTROPHY, LIMB-GIRDLE, AUTOSOMAL RECESSIVE 10. Identifiers: Orphanet 140922, MedGen C1837342, MONDO:0012127, OMIM 608807.

Submission:

Labcorp Genetics (formerly Invitae), Labcorp
Classification: Likely pathogenic for Dilated cardiomyopathy 1G; Autosomal recessive limb-girdle muscular dystrophy type 2J. Last evaluated: 2023-09-04. Review status: criteria provided, single submitter. Criteria: Invitae Variant Classification Sherloc (09022015). Collection method: clinical testing. Allele origin: germline.
Comment: This sequence change creates a premature translational stop signal (p.Ser25448Leufs*18) in the TTN gene. While this is not anticipated to result in nonsense mediated decay, it is expected to create a truncated TTN protein. This variant is not present in population databases (gnomAD no frequency). This variant has not been reported in the literature in individuals affected with TTN-related conditions. This variant is located in the A band of TTN (PMID: 25589632). Truncating variants in this region are significantly overrepresented in patients affected with dilated cardiomyopathy (PMID: 25589632). Truncating variants in this region have also been reported in individuals affected with autosomal recessive centronuclear myopathy (PMID: 23975875). In summary, the currently available evidence indicates that the variant is pathogenic, but additional data are needed to prove that conclusively. Therefore, this variant has been classified as Likely Pathogenic.

Literature cited by the submitters: PubMed 25589632; PubMed 23975875.